The following is an entry in ClinVar:

ClinVar aggregate classification (germline): Uncertain significance. Review status: criteria provided, multiple submitters, no conflicts (2 of 4 stars). 2 submissions from 2 submitters: Uncertain significance (2). Last evaluated 2024-11-20.

Conditions:
Stuve-Wiedemann syndrome (STWS). Also called: Stüve-Wiedemann syndrome. Identifiers: Orphanet 3206, MedGen C0796176, MONDO:0031280.

Allele frequency attached by ClinVar (database versions not stated): gnomAD exomes below 0.00001; TOPMed below 0.00001; ExAC 0.00001; gnomAD 0.00001.
gnomAD v4.1: 6 of 1,613,808 alleles (0.00037%); highest among the groups gnomAD compares: Admixed American, 0.0017%; no homozygotes.

Submissions (2):

GeneDx
Classification: Uncertain significance. Last evaluated: 2024-11-20. Review status: criteria provided, single submitter. Criteria: GeneDx Variant Classification Process June 2021. Collection method: clinical testing. Allele origin: germline. Affected: yes.
Comment: Not observed at significant frequency in large population cohorts (gnomAD); In silico analysis indicates that this missense variant does not alter protein structure/function; Has not been previously published as pathogenic or benign to our knowledge

Illumina Laboratory Services, Illumina
Classification: Uncertain significance for Stüve-Wiedemann syndrome 1. Last evaluated: 2018-01-13. Review status: criteria provided, single submitter. Criteria: ICSL Variant Classification Criteria 13 December 2019. Collection method: clinical testing. Allele origin: germline.

NM_001127671.2(LIFR):c.2051C>G (p.Thr684Ser)

Gene: LIFR (LIF receptor subunit alpha; minus strand). Cytogenetic location: 5p13.1.
Variant type: single nucleotide variant.
Coding change: c.2051C>G on transcript NM_001127671.2 (MANE Select); coding-DNA position 2051, C replaced by G.
Protein change: p.Thr684Ser; replaces threonine 684 with serine.
Molecular consequence: missense variant.
Genome position (GRCh38, 1-based): chr5:38,493,620, G>C on the plus strand (C>G on the coding strand, the complement: LIFR is on the minus strand). VCF-style: chr5-38493620-G-C. GRCh37 (hg19) VCF-style: chr5-38493722-G-C.
Other names: c.2051C>G, p.Thr684Ser (NM_001364297.2, NM_001364298.2, NM_002310.6); short protein forms T684S.
Identifiers: ClinVar variation 907447 (VCV000907447.5), dbSNP rs767530602, ClinGen allele CA3242777.